The following is an entry in ClinVar:

ClinVar aggregate classification (germline): Benign/Likely benign. Review status: criteria provided, multiple submitters, no conflicts (2 of 4 stars). 10 submissions from 9 submitters: Benign (3); Likely benign (6). 1 of the submissions does not count toward it. Last evaluated 2026-09-01.

Conditions:
LIG4-related disorder. Also called: LIG4-related condition; LIG4-related disorders. Identifiers: MedGen CN239380.
DNA ligase IV deficiency. Identifiers: Orphanet 99812, MedGen C1847827, MONDO:0011686, OMIM 606593.
Severe combined immunodeficiency due to DCLRE1C deficiency (RS-SCID). Also called: SCID, AUTOSOMAL RECESSIVE, T CELL-NEGATIVE, B CELL-NEGATIVE, NK CELL-POSITIVE, WITH SENSITIVITY TO IONIZING RADIATION. Identifiers: Orphanet 275, MedGen C1865371, MONDO:0011225, OMIM 602450.

Allele frequency attached by ClinVar (database versions not stated): gnomAD exomes 0.00042 and 0.00098; ExAC 0.00114; gnomAD 0.00318 and 0.00342; TOPMed 0.00354; ESP Exome Variant Server 0.00400; 1000 Genomes Project 0.00559; 1000 Genomes Project 30x 0.00625.
gnomAD v4.1: 1,114 of 1,608,206 alleles (0.069%); highest among the groups gnomAD compares: African/African-American, 1.1%; 7 homozygotes.

Submissions (10):

CeGaT Center for Human Genetics Tuebingen
Classification: Likely benign. Last evaluated: 2026-09-01. Review status: criteria provided, single submitter. Criteria: CeGaT Center For Human Genetics Tuebingen Variant Classification Criteria Version 2. Collection method: clinical testing. Allele origin: germline. Affected: yes. Observed: 2 variant alleles.
Comment: LIG4: BP4, BP7, BS1

Labcorp Genetics (formerly Invitae), Labcorp
Classification: Benign for DNA ligase IV deficiency. Last evaluated: 2026-01-25. Review status: criteria provided, single submitter. Criteria: Invitae Variant Classification Sherloc (09022015). Collection method: clinical testing. Allele origin: germline.

Women's Health and Genetics/Laboratory Corporation of America, LabCorp
Classification: Likely benign. Last evaluated: 2026-01-22. Review status: criteria provided, single submitter. Criteria: LabCorp Variant Classification Summary - May 2015. Collection method: clinical testing. Allele origin: germline.

Blueprint Genetics
Classification: Likely benign. Last evaluated: 2024-09-18. Review status: criteria provided, single submitter. Criteria: ACMG Guidelines, 2015. Collection method: clinical testing. Allele origin: germline.

Genetic Services Laboratory, University of Chicago
Classification: Likely benign. Last evaluated: 2021-02-08. Review status: criteria provided, single submitter. Criteria: ACMG Guidelines, 2015. Collection method: clinical testing. Allele origin: germline. Affected: no.

Illumina Laboratory Services, Illumina
Classification: Benign for DNA ligase IV deficiency. Last evaluated: 2018-01-13. Review status: criteria provided, single submitter. Criteria: ICSL Variant Classification Criteria 13 December 2019. Collection method: clinical testing. Allele origin: germline.
Comment: This variant was observed in the ICSL laboratory as part of a predisposition screen in an ostensibly healthy population. It had not been previously curated by ICSL or reported in the Human Gene Mutation Database (HGMD: prior to June 1st, 2018), and was therefore a candidate for classification through an automated scoring system. Utilizing variant allele frequency, disease prevalence and penetrance estimates, and inheritance mode, an automated score was calculated to assess if this variant is too frequent to cause the disease. Based on the score and internal cut-off values, a variant classified as benign is not then subjected to further curation. The score for this variant resulted in a classification of benign for this disease.

Illumina Laboratory Services, Illumina
Classification: Benign for Severe combined immunodeficiency due to DCLRE1C deficiency. Last evaluated: 2018-01-13. Review status: criteria provided, single submitter. Criteria: ICSL Variant Classification Criteria 13 December 2019. Collection method: clinical testing. Allele origin: germline.
Comment: the same text as in the submission from Illumina Laboratory Services, Illumina above.

GeneDx
Classification: Likely benign. Last evaluated: 2015-10-20. Review status: criteria provided, single submitter. Criteria: GeneDx Variant Classification (06012015). Collection method: clinical testing. Allele origin: germline. Affected: yes.
Comment: This variant is considered likely benign or benign based on one or more of the following criteria: it is a conservative change, it occurs at a poorly conserved position in the protein, it is predicted to be benign by multiple in silico algorithms, and/or has population frequency not consistent with disease.

Breakthrough Genomics
Classification: Likely benign. Review status: criteria provided, single submitter. Criteria: ACMG Guidelines, 2015. Collection method: not provided. Allele origin: germline. Inheritance: Autosomal recessive inheritance. Affected: yes.

PreventionGenetics, part of Exact Sciences
Classification: Benign for LIG4-related condition. Last evaluated: 2019-07-11. Review status: no assertion criteria provided. Collection method: clinical testing. Allele origin: germline. Not counted in ClinVar's aggregate classification.
Comment: This variant is classified as benign based on ACMG/AMP sequence variant interpretation guidelines (Richards et al. 2015 PMID: 25741868, with internal and published modifications).

NM_206937.2(LIG4):c.180C>T (p.Val60=)

Gene: LIG4 (DNA ligase 4; minus strand). Cytogenetic location: 13q33.3.
Variant type: single nucleotide variant.
Coding change: c.180C>T on transcript NM_206937.2 (MANE Select); coding-DNA position 180, C replaced by T.
Protein change: p.Val60=; no amino-acid change (valine 60 retained).
Molecular consequence: synonymous variant. On other transcripts: 5 prime UTR variant (1).
Genome position (GRCh38, 1-based): chr13:108,211,089, G>A on the plus strand (C>T on the coding strand, the complement: LIG4 is on the minus strand). VCF-style: chr13-108211089-G-A. GRCh37 (hg19) VCF-style: chr13-108863437-G-A.
Other names: c.180C>T, p.Val60= (NM_001098268.2, NM_001352598.2, NM_001352599.2 and 6 more transcripts); c.-22C>T (NM_001330595.2); c.216C>T, p.Val72= (NM_001352604.2).
Identifiers: ClinVar variation 310994 (VCV000310994.41), dbSNP rs2232637, ClinGen allele CA7043872.